The following is an entry in ClinVar:

ClinVar aggregate classification (germline): Pathogenic. Review status: criteria provided, multiple submitters, no conflicts (2 of 4 stars). 2 submissions from 2 submitters: Pathogenic (2). Last evaluated 2023-03-18.

Conditions:
Cardiovascular phenotype. Identifiers: MedGen CN230736.
Marfan syndrome (MFS). Also called: MARFAN SYNDROME, TYPE I; FBN1-Related Marfan Syndrome; Marfan syndrome, classic; Marfan syndrome type 1; Marfan's syndrome. Identifiers: Orphanet 284963, Orphanet 558, MedGen C0024796, MONDO:0007947, OMIM 154700.
Familial thoracic aortic aneurysm and aortic dissection (TAAD). Also called: Thoracic aortic aneurysms and dissections. Identifiers: Orphanet 91387, MedGen C4707243, MONDO:0019625.

Submissions (2):

Labcorp Genetics (formerly Invitae), Labcorp
Classification: Pathogenic for Marfan syndrome; Familial thoracic aortic aneurysm and aortic dissection. Last evaluated: 2023-03-18. Review status: criteria provided, single submitter. Criteria: Invitae Variant Classification Sherloc (09022015). Collection method: clinical testing. Allele origin: germline.
Comment: This variant is not present in population databases (gnomAD no frequency). For these reasons, this variant has been classified as Pathogenic. ClinVar contains an entry for this variant (Variation ID: 263834). This variant has not been reported in the literature in individuals affected with FBN1-related conditions. This sequence change creates a premature translational stop signal (p.Lys842*) in the FBN1 gene. It is expected to result in an absent or disrupted protein product. Loss-of-function variants in FBN1 are known to be pathogenic (PMID: 17657824, 19293843).

Ambry Genetics
Classification: Pathogenic for Cardiovascular phenotype. Last evaluated: 2014-05-02. Review status: criteria provided, single submitter. Criteria: Ambry Autosomal Dominant and X-Linked criteria (10/2015). Collection method: clinical testing. Allele origin: germline. Observed: 1 variant allele.
Comment: The p.K842*pathogenic mutation(also known as c.2524A>T), located in coding exon 20 of the FBN1 genein the cbEGF-like #9 domain, results from an A to T substitution at nucleotide position 2524. This changes the amino acid from a lysine to a stop codon within coding exon 20. Since premature stop codons are typically deleterious in nature, this alteration is interpreted as a disease-causing mutation (ACMG Recommendations for Standards for Interpretation and Reporting of Sequence Variations. Revision 2007. Genet Med. 2008;10:294).

Literature cited by the submitters: PubMed 17657824 (cited by Labcorp Genetics (formerly Invitae), Labcorp); PubMed 19293843 (cited by Labcorp Genetics (formerly Invitae), Labcorp).

NM_000138.5(FBN1):c.2524A>T (p.Lys842Ter)

Gene: FBN1 (fibrillin 1; minus strand). Cytogenetic location: 15q21.1.
Variant type: single nucleotide variant.
Coding change: c.2524A>T on transcript NM_000138.5 (MANE Select); coding-DNA position 2524, A replaced by T.
Protein change: p.Lys842Ter; replaces lysine 842 with a stop codon.
Molecular consequence: nonsense.
Genome position (GRCh38, 1-based): chr15:48,495,484, T>A on the plus strand (A>T on the coding strand, the complement: FBN1 is on the minus strand). VCF-style: chr15-48495484-T-A. GRCh37 (hg19) VCF-style: chr15-48787681-T-A.
Other names: short protein forms K842*.
Identifiers: ClinVar variation 263834 (VCV000263834.6), dbSNP rs886038941, ClinGen allele CA10587847.
Genomic context (GRCh38, chr15:48,495,484, plus strand): 5'-CAACATTGATAAACATAGAAAAATCATTCTCAGAAAGATAAATACCTATGCAGATGGTTT[T>A]TGTTGGATCCAAAGTACTTTCAGAAGAACATTCACAAATAAAAGAGCCTGGGCTGTTCTT-3'